The following is an entry in ClinVar:

ClinVar aggregate classification (germline): Uncertain significance (1 of 4 stars; one submission).

Conditions:
Cardiovascular phenotype. Identifiers: MedGen CN230736.
Hereditary cancer-predisposing syndrome. Also called: Neoplastic Syndromes, Hereditary; Tumor predisposition; Hereditary neoplastic syndrome; Hereditary Cancer Syndrome. Identifiers: Orphanet 140162, MedGen C0027672, MeSH D009386, MONDO:0015356.

Submission:

Ambry Genetics
Classification: Uncertain significance for Cardiovascular phenotype; Hereditary cancer-predisposing syndrome. Last evaluated: 2025-05-17. Review status: criteria provided, single submitter. Criteria: Ambry Variant Classification Scheme 2023. Collection method: clinical testing. Allele origin: germline.
Comment: The p.A1454P variant (also known as c.4360G>C), located in coding exon 32 of the NF1 gene, results from a G to C substitution at nucleotide position 4360. The alanine at codon 1454 is replaced by proline, an amino acid with highly similar properties. This amino acid position is conserved. In addition, this alteration is predicted to be deleterious by in silico analysis. Based on the available evidence, the clinical significance of this variant remains unclear.

NM_001042492.3(NF1):c.4423G>C (p.Ala1475Pro)

Gene: NF1 (neurofibromin 1; plus strand). Cytogenetic location: 17q11.2.
Variant type: single nucleotide variant.
Coding change: c.4423G>C on transcript NM_001042492.3 (MANE Select); coding-DNA position 4423, G replaced by C.
Protein change: p.Ala1475Pro; replaces alanine 1475 with proline.
Molecular consequence: missense variant.
Genome position (GRCh38, 1-based): chr17:31,259,122, G>C. VCF-style: chr17-31259122-G-C. GRCh37 (hg19) VCF-style: chr17-29586140-G-C.
Other names: c.4360G>C, p.Ala1454Pro (NM_000267.4); short protein forms A1475P, A1454P.
Identifiers: ClinVar variation 4030417 (VCV004030417.1).